The following is an entry in ClinVar:

NM_005462.5(MAGEC1):c.1080T>A (p.Ser360Arg)

Gene: MAGEC1 (MAGE family member C1; plus strand). Cytogenetic location: Xq27.2.
Variant type: single nucleotide variant.
Coding change: c.1080T>A on transcript NM_005462.5 (MANE Select); coding-DNA position 1080, T replaced by A.
Protein change: p.Ser360Arg; replaces serine 360 with arginine.
Molecular consequence: missense variant.
Genome position (GRCh38, 1-based): chrX:141,906,484, T>A. VCF-style: chrX-141906484-T-A. GRCh37 (hg19) VCF-style: chrX-140994270-T-A.
Other names: short protein forms S360R.
Identifiers: ClinVar variation 3122128 (VCV003122128.11), dbSNP rs59612804, ClinGen allele CA10533528.
Genomic context (GRCh38, chrX:141,906,484, plus strand): 5'-TCCTATGACCTCCTCCTTCTCCTCTACTTTATTGAGTATTTTCCAGAGTTCTCCTGAGAG[T>A]GCTCAAAGTACTTTTGAGGGTTTTCCCCAGTCTCCTCTCCAGATTCCTGGGAGCCCCTCC-3'
Protein context (NP_005453.2, residues 350-370): LLSIFQSSPE[Ser360Arg]AQSTFEGFPQ

ClinVar aggregate classification (germline): Likely benign. Review status: criteria provided, multiple submitters, no conflicts (2 of 4 stars). 2 submissions from 2 submitters: Likely benign (2). Last evaluated 2026-08-01.

Allele frequency attached by ClinVar (database versions not stated): gnomAD 0.00002; ExAC 0.00003.
gnomAD v4.1: 29 of 1,179,827 alleles (0.0025%); highest among the groups gnomAD compares: Middle Eastern, 0.024%; no homozygotes.

Submissions (2):

CeGaT Center for Human Genetics Tuebingen
Classification: Likely benign. Last evaluated: 2026-08-01. Review status: criteria provided, single submitter. Criteria: CeGaT Center For Human Genetics Tuebingen Variant Classification Criteria Version 2. Collection method: clinical testing. Allele origin: germline. Affected: yes. Observed: 4 variant alleles.
Comment: MAGEC1: BP4, BS2

Ambry Genetics
Classification: Likely benign. Last evaluated: 2023-10-13. Review status: criteria provided, single submitter. Criteria: Ambry Variant Classification Scheme 2023. Collection method: clinical testing. Allele origin: germline.